The following is an entry in ClinVar:

ClinVar aggregate classification (germline): Uncertain significance (1 of 4 stars; one submission).

Submission:

Labcorp Genetics (formerly Invitae), Labcorp
Classification: Uncertain significance. Last evaluated: 2024-03-27. Review status: criteria provided, single submitter. Criteria: Invitae Variant Classification Sherloc (09022015). Collection method: clinical testing. Allele origin: germline.
Comment: This sequence change replaces tyrosine, which is neutral and polar, with cysteine, which is neutral and slightly polar, at codon 131 of the IFITM5 protein (p.Tyr131Cys). This variant is present in population databases (rs573680346, gnomAD 0.02%). This variant has not been reported in the literature in individuals affected with IFITM5-related conditions. An algorithm developed to predict the effect of missense changes on protein structure and function (PolyPhen-2) suggests that this variant is likely to be disruptive. In summary, the available evidence is currently insufficient to determine the role of this variant in disease. Therefore, it has been classified as a Variant of Uncertain Significance.

NM_001025295.3(IFITM5):c.392A>G (p.Tyr131Cys)

Gene: IFITM5 (interferon induced transmembrane protein 5; minus strand). Cytogenetic location: 11p15.5.
Variant type: single nucleotide variant.
Coding change: c.392A>G on transcript NM_001025295.3 (MANE Select); coding-DNA position 392, A replaced by G.
Protein change: p.Tyr131Cys; replaces tyrosine 131 with cysteine.
Molecular consequence: missense variant.
Genome position (GRCh38, 1-based): chr11:298,508, T>C on the plus strand (A>G on the coding strand, the complement: IFITM5 is on the minus strand). VCF-style: chr11-298508-T-C. GRCh37 (hg19) VCF-style: chr11-298508-T-C.
Other names: short protein forms Y131C.
Identifiers: ClinVar variation 3665731 (VCV003665731.2).